The following is an entry in ClinVar:

NM_000080.4(CHRNE):c.1217C>A (p.Thr406Lys)

Genes: CHRNE (cholinergic receptor nicotinic epsilon subunit; minus strand), LOC130060040 (ATAC-STARR-seq lymphoblastoid silent region 8049; plus strand). Cytogenetic location: 17p13.2.
Variant type: single nucleotide variant.
Coding change: c.1217C>A on transcript NM_000080.4 (MANE Select); coding-DNA position 1217, C replaced by A.
Protein change: p.Thr406Lys; replaces threonine 406 with lysine.
Molecular consequence: missense variant.
Genome position (GRCh38, 1-based): chr17:4,899,200, G>T on the plus strand (C>A on the coding strand, the complement: CHRNE is on the minus strand). VCF-style: chr17-4899200-G-T. GRCh37 (hg19) VCF-style: chr17-4802495-G-T.
Other names: short protein forms T406K.
Identifiers: ClinVar variation 1428380 (VCV001428380.5), dbSNP rs532120320, ClinGen allele CA397299930.
Genomic context (GRCh38, chr17:4,899,200, plus strand): 5'-AGCCTCCCCCCTGGCAGGCACCCCGCGCGGCCCCCCGGGCCAGGGCCACTGTGCTCACCC[G>T]TCCAGGTCCCCTGCCGGTGCCTCTGCCCCTCAAACACGAGCTCGCTCCGTGGCTTTTTCA-3'
Protein context (NP_000071.1, residues 396-416): EGQRHRQGTW[Thr406Lys]AAFCQSLGAA

ClinVar aggregate classification (germline): Uncertain significance (1 of 4 stars; one submission).

Conditions:
Congenital myasthenic syndrome 4A. Also called: Myasthenic syndrome, congenital, 4a, slow-channel; MYASTHENIC SYNDROME, CONGENITAL, 4A, SLOW-CHANNEL, AUTOSOMAL RECESSIVE; CONGENITAL MYASTHENIC SYNDROME TYPE Ia1. Identifiers: Orphanet 590, MedGen C4225413, MONDO:0011600, OMIM 605809.

gnomAD v4.1: 9 of 1,603,548 alleles (0.00056%); highest among the groups gnomAD compares: Non-Finnish European, 0.00059%; no homozygotes.

Submission:

Labcorp Genetics (formerly Invitae), Labcorp
Classification: Uncertain significance for Congenital myasthenic syndrome 4A. Last evaluated: 2021-08-31. Review status: criteria provided, single submitter. Criteria: Invitae Variant Classification Sherloc (09022015). Collection method: clinical testing. Allele origin: germline.
Comment: This sequence change replaces threonine with lysine at codon 406 of the CHRNE protein (p.Thr406Lys). The threonine residue is weakly conserved and there is a moderate physicochemical difference between threonine and lysine. This variant is not present in population databases (ExAC no frequency). This variant has not been reported in the literature in individuals affected with CHRNE-related conditions. Algorithms developed to predict the effect of missense changes on protein structure and function are either unavailable or do not agree on the potential impact of this missense change (SIFT: "Tolerated"; PolyPhen-2: "Possibly Damaging"; Align-GVGD: "Class C0"). In summary, the available evidence is currently insufficient to determine the role of this variant in disease. Therefore, it has been classified as a Variant of Uncertain Significance.